The following is an entry in ClinVar:

NM_000414.4(HSD17B4):c.1374G>A (p.Gln458=)

Gene: HSD17B4 (hydroxysteroid 17-beta dehydrogenase 4; plus strand). Cytogenetic location: 5q23.1.
Variant type: single nucleotide variant.
Coding change: c.1374G>A on transcript NM_000414.4 (MANE Select); coding-DNA position 1374, G replaced by A.
Protein change: p.Gln458=; no amino-acid change (glutamine 458 retained).
Molecular consequence: synonymous variant. On other transcripts: non-coding transcript variant (2).
Genome position (GRCh38, 1-based): chr5:119,509,181, G>A. VCF-style: chr5-119509181-G-A. GRCh37 (hg19) VCF-style: chr5-118844876-G-A.
Other names: c.1374G>A (NM_000414.3); c.1449G>A, p.Gln483= (NM_001199291.3); c.1320G>A, p.Gln440= (NM_001199292.2); c.1302G>A, p.Gln434= (NM_001292027.2, NM_001374498.1); c.954G>A, p.Gln318= (NM_001292028.2); c.1365G>A, p.Gln455= (NM_001374497.1); c.1047G>A, p.Gln349= (NM_001374499.1); c.933G>A, p.Gln311= (NM_001374500.1); and 1 more.
Identifiers: ClinVar variation 1986813 (VCV001986813.5), dbSNP rs1437799470, ClinGen allele CA446050295.

ClinVar aggregate classification (germline): Conflicting classifications of pathogenicity. Review status: criteria provided, conflicting classifications (1 of 4 stars). 2 submissions from 2 submitters: Uncertain significance (1); Likely benign (1). Last evaluated 2025-07-06.

Conditions:
HSD17B4-related disorder. Also called: HSD17B4-related condition; HSD17B4-related disorders.
Perrault syndrome. Also called: Gonadal dysgenesis with auditory dysfunction, autosomal recessive inheritance. Identifiers: Orphanet 2855, MedGen C0685838, MONDO:0017312.
Bifunctional peroxisomal enzyme deficiency (DBIF). Also called: DBP DEFICIENCY; PBFE DEFICIENCY; D-bifunctional protein deficiency. Identifiers: Orphanet 300, MedGen C0342870, MONDO:0009855, OMIM 261515. Disease mechanism: loss of function.

gnomAD v4.1: 1 of 1,608,072 alleles (0.000062%); no homozygotes.

Submissions (2):

PreventionGenetics, part of Exact Sciences
Classification: Uncertain significance for HSD17B4-related condition. Last evaluated: 2025-07-06. Review status: criteria provided, single submitter. Criteria: ACMG Guidelines, 2015. Collection method: clinical testing. Allele origin: germline.
Comment: The HSD17B4 c.1374G>A variant is not predicted to result in an amino acid change (p.=). This variant is predicted to have a minimal impact on splicing based on available splicing prediction programs (SpliceAI, Jaganathan et al. 2019. PubMed ID: 30661751). To our knowledge, this variant has not been reported in the literature or in a large population database (gnomAD), indicating this variant is rare. Although we suspect that this variant may be benign, at this time, the clinical significance of this variant is uncertain due to the absence of conclusive functional and genetic evidence.

Labcorp Genetics (formerly Invitae), Labcorp
Classification: Likely benign for Perrault syndrome; Bifunctional peroxisomal enzyme deficiency. Last evaluated: 2021-12-25. Review status: criteria provided, single submitter. Criteria: Invitae Variant Classification Sherloc (09022015). Collection method: clinical testing. Allele origin: germline.